The following is an entry in ClinVar:

NM_139318.5(KCNH5):c.646A>G (p.Thr216Ala)

Gene: KCNH5 (potassium voltage-gated channel subfamily H member 5; minus strand). Cytogenetic location: 14q23.2.
Variant type: single nucleotide variant.
Coding change: c.646A>G on transcript NM_139318.5 (MANE Select); coding-DNA position 646, A replaced by G.
Protein change: p.Thr216Ala; replaces threonine 216 with alanine.
Molecular consequence: missense variant.
Genome position (GRCh38, 1-based): chr14:62,981,168, T>C on the plus strand (A>G on the coding strand, the complement: KCNH5 is on the minus strand). VCF-style: chr14-62981168-T-C. GRCh37 (hg19) VCF-style: chr14-63447886-T-C.
Other names: c.646A>G (NM_139318.4); c.646A>G, p.Thr216Ala (NM_172375.3); short protein forms T216A.
Identifiers: ClinVar variation 2849146 (VCV002849146.4), dbSNP rs2503044839, ClinGen allele CA390104453.

ClinVar aggregate classification (germline): Uncertain significance. Review status: criteria provided, multiple submitters, no conflicts (2 of 4 stars). 2 submissions from 2 submitters: Uncertain significance (2). Last evaluated 2024-07-03.

Conditions:
Early-infantile DEE. Also called: Ohtahara syndrome; Early infantile epileptic encephalopathy with suppression bursts; Early infantile epileptic encephalopathy. Identifiers: Orphanet 1934, MedGen C0393706, MONDO:0800491.

Submissions (2):

GeneDx
Classification: Uncertain significance. Last evaluated: 2024-07-03. Review status: criteria provided, single submitter. Criteria: GeneDx Variant Classification Process June 2021. Collection method: clinical testing. Allele origin: germline. Affected: yes.
Comment: Not observed at significant frequency in large population cohorts (gnomAD); In silico analysis indicates that this missense variant does not alter protein structure/function; Has not been previously published as pathogenic or benign to our knowledge

Labcorp Genetics (formerly Invitae), Labcorp
Classification: Uncertain significance for Early-infantile DEE. Last evaluated: 2023-03-24. Review status: criteria provided, single submitter. Criteria: Invitae Variant Classification Sherloc (09022015). Collection method: clinical testing. Allele origin: germline.
Comment: This sequence change replaces threonine, which is neutral and polar, with alanine, which is neutral and non-polar, at codon 216 of the KCNH5 protein (p.Thr216Ala). This variant is not present in population databases (gnomAD no frequency). This variant has not been reported in the literature in individuals affected with KCNH5-related conditions. Advanced modeling of protein sequence and biophysical properties (such as structural, functional, and spatial information, amino acid conservation, physicochemical variation, residue mobility, and thermodynamic stability) performed at Invitae indicates that this missense variant is not expected to disrupt KCNH5 protein function. In summary, the available evidence is currently insufficient to determine the role of this variant in disease. Therefore, it has been classified as a Variant of Uncertain Significance.